The following is an entry in ClinVar:

ClinVar aggregate classification (germline): Likely benign. Review status: criteria provided, single submitter (1 of 4 stars). 2 submissions from 2 submitters: Likely benign (1). 1 of the submissions does not count toward it. Last evaluated 2023-02-13.

Conditions:
HOXB1-related disorder. Also called: HOXB1-related condition.

Allele frequency attached by ClinVar (database versions not stated): TOPMed 0.00048; ESP Exome Variant Server 0.00062; 1000 Genomes Project 0.00080.

Submissions (2):

Labcorp Genetics (formerly Invitae), Labcorp
Classification: Likely benign. Last evaluated: 2023-02-13. Review status: criteria provided, single submitter. Criteria: Invitae Variant Classification Sherloc (09022015). Collection method: clinical testing. Allele origin: germline.

PreventionGenetics, part of Exact Sciences
Classification: Likely benign for HOXB1-related condition. Last evaluated: 2022-02-18. Review status: no assertion criteria provided. Collection method: clinical testing. Allele origin: germline. Not counted in ClinVar's aggregate classification.
Comment: This variant is classified as likely benign based on ACMG/AMP sequence variant interpretation guidelines (Richards et al. 2015 PMID: 25741868, with internal and published modifications).

NM_002144.4(HOXB1):c.484G>A (p.Glu162Lys)

Gene: HOXB1 (homeobox B1; minus strand). Cytogenetic location: 17q21.32.
Variant type: single nucleotide variant.
Coding change: c.484G>A on transcript NM_002144.4 (MANE Select); coding-DNA position 484, G replaced by A.
Protein change: p.Glu162Lys; replaces glutamic acid 162 with lysine.
Molecular consequence: missense variant.
Genome position (GRCh38, 1-based): chr17:48,530,421, C>T on the plus strand (G>A on the coding strand, the complement: HOXB1 is on the minus strand). VCF-style: chr17-48530421-C-T. GRCh37 (hg19) VCF-style: chr17-46607783-C-T.
Other names: short protein forms E162K.
Identifiers: ClinVar variation 800233 (VCV000800233.9), dbSNP rs144625073, ClinGen allele CA8631752.
Genomic context (GRCh38, chr17:48,530,421, plus strand): 5'-AGTCGAAGGTCCGGGCCGTGGGGGTGTTAGGTTCTGAAGGGCAGGGTGTTTCCTTGTCCT[C>T]GGAGAGGAGATCAGCATAGGCCGGTGCAAAGCTCGCGGTCTGCTCGTTCCCATAAGGGGG-3'
Protein context (NP_002135.2, residues 152-172): FAPAYADLLS[Glu162Lys]DKETPCPSEP